The following is an entry in ClinVar:

ClinVar aggregate classification (germline): Uncertain significance (1 of 4 stars; one submission).

Conditions:
Inborn genetic diseases. Identifiers: MedGen C0950123, MeSH D030342.

Allele frequency attached by ClinVar (database versions not stated): TOPMed below 0.00001.

Submission:

Ambry Genetics
Classification: Uncertain significance for Inborn genetic diseases. Last evaluated: 2023-02-12. Review status: criteria provided, single submitter. Criteria: Ambry Variant Classification Scheme 2023. Collection method: clinical testing. Allele origin: germline.
Comment: The p.E344G variant (also known as c.1031A>G), located in coding exon 9 of the LRRK2 gene, results from an A to G substitution at nucleotide position 1031. The glutamic acid at codon 344 is replaced by glycine, an amino acid with similar properties. This amino acid position is conserved. In addition, this alteration is predicted to be tolerated by in silico analysis. Since supporting evidence is limited at this time, the clinical significance of this alteration remains unclear.

NM_198578.4(LRRK2):c.1031A>G (p.Glu344Gly)

Gene: LRRK2 (leucine rich repeat kinase 2; plus strand). Cytogenetic location: 12q12.
Variant type: single nucleotide variant.
Coding change: c.1031A>G on transcript NM_198578.4 (MANE Select); coding-DNA position 1031, A replaced by G.
Protein change: p.Glu344Gly; replaces glutamic acid 344 with glycine.
Molecular consequence: missense variant.
Genome position (GRCh38, 1-based): chr12:40,251,304, A>G. VCF-style: chr12-40251304-A-G. GRCh37 (hg19) VCF-style: chr12-40645106-A-G.
Other names: short protein forms E344G.
Identifiers: ClinVar variation 2447266 (VCV002447266.2), dbSNP rs1163770773, ClinGen allele CA384407855.